The following is an entry in ClinVar:

ClinVar aggregate classification (germline): Pathogenic. Review status: criteria provided, multiple submitters, no conflicts (2 of 4 stars). 4 submissions from 4 submitters: Pathogenic (2). 2 of the submissions do not count toward it. Last evaluated 2024-12-12.

Conditions:
Idiopathic and/or familial pulmonary arterial hypertension. Identifiers: Orphanet 422, MedGen C5679820, MONDO:0008347.
Pulmonary arterial hypertension. Identifiers: Orphanet 182090, MedGen C2973725, MeSH D000081029, MONDO:0015924, HP:0002092.
Pulmonary hypertension, primary, 1 (PPH1). Also called: Pulmonary hypertension, familial primary, 1, with or without HHT. Identifiers: Orphanet 422, MedGen C4552070, MONDO:0024533, OMIM 178600.
Primary pulmonary hypertension. Also called: Idiopathic pulmonary hypertension. Identifiers: MedGen C0152171.

Submissions (4):

Labcorp Genetics (formerly Invitae), Labcorp
Classification: Pathogenic for Primary pulmonary hypertension. Last evaluated: 2024-12-12. Review status: criteria provided, single submitter. Criteria: Invitae Variant Classification Sherloc (09022015). Collection method: clinical testing. Allele origin: germline.
Comment: This sequence change creates a premature translational stop signal (p.Trp16*) in the BMPR2 gene. It is expected to result in an absent or disrupted protein product. Loss-of-function variants in BMPR2 are known to be pathogenic (PMID: 16429395). This variant is not present in population databases (gnomAD no frequency). This premature translational stop signal has been observed in individual(s) with pulmonary arterial hypertension (PMID: 15687131, 29743074). ClinVar contains an entry for this variant (Variation ID: 425684). For these reasons, this variant has been classified as Pathogenic.

Dasa
Classification: Pathogenic. Last evaluated: 2024-09-30. Review status: criteria provided, single submitter. Criteria: DASA Assertion Criteria. Collection method: clinical testing. Allele origin: germline.
Comment: NM_001204.7(BMPR2):c.47G>A (p.Trp16*) introduces a premature termination codon predicted to result in loss of normal protein function. Loss-of-function is an established mechanism of disease for this gene. This variant has been reported in individuals with related phenotype. The variant is present at low frequency in population datasets. Based on the available data, this variant is classified as pathogenic.

Rare Disease Genomics Group, St George's University of London
Classification: Pathogenic for Primary pulmonary hypertension. Review status: no assertion criteria provided. Collection method: literature only. Allele origin: germline. Affected: yes. Not counted in ClinVar's aggregate classification.

Wendy Chung Laboratory, Boston Children's Hospital
No classification provided. Condition: Idiopathic and/or familial pulmonary arterial hypertension. Review status: no classification provided. Collection method: literature only. Allele origin: germline. Affected: yes. Not counted in ClinVar's aggregate classification.

Literature cited by the submitters: PubMed 16429395 (cited by Labcorp Genetics (formerly Invitae), Labcorp); PubMed 15687131 (cited by Labcorp Genetics (formerly Invitae), Labcorp and Rare Disease Genomics Group, St George's University of London); PubMed 29743074 (cited by Labcorp Genetics (formerly Invitae), Labcorp); PubMed 23592887 (cited by Rare Disease Genomics Group, St George's University of London); PubMed 31727138 (cited by Wendy Chung Laboratory, Boston Children's Hospital).

NM_001204.7(BMPR2):c.47G>A (p.Trp16Ter)

Gene: BMPR2 (bone morphogenetic protein receptor type 2; plus strand). Cytogenetic location: 2q33.1.
Variant type: single nucleotide variant.
Coding change: c.47G>A on transcript NM_001204.7 (MANE Select); coding-DNA position 47, G replaced by A.
Protein change: p.Trp16Ter; replaces tryptophan 16 with a stop codon.
Molecular consequence: nonsense.
Genome position (GRCh38, 1-based): chr2:202,377,521, G>A. VCF-style: chr2-202377521-G-A. GRCh37 (hg19) VCF-style: chr2-203242244-G-A.
Other names: c.47G>A, p.W16* (LRG_712t1); short protein forms W16*.
Identifiers: ClinVar variation 425684 (VCV000425684.7), dbSNP rs1085307153, ClinGen allele CA350396688.